The following is an entry in ClinVar:

NM_198282.4(STING1):c.389T>C (p.Leu130Pro)

Genes: STING1 (stimulator of interferon response cGAMP interactor 1; minus strand), LOC123522803 (Sharpr-MPRA regulatory region 11914; plus strand). Cytogenetic location: 5q31.2.
Variant type: single nucleotide variant.
Coding change: c.389T>C on transcript NM_198282.4 (MANE Select); coding-DNA position 389, T replaced by C.
Protein change: p.Leu130Pro; replaces leucine 130 with proline.
Molecular consequence: missense variant.
Genome position (GRCh38, 1-based): chr5:139,481,181, A>G on the plus strand (T>C on the coding strand, the complement: STING1 is on the minus strand). VCF-style: chr5-139481181-A-G. GRCh37 (hg19) VCF-style: chr5-138860766-A-G.
Other names: c.389T>C, p.Leu130Pro (NM_001301738.2); c.32T>C, p.Leu11Pro (NM_001367258.1); short protein forms L11P, L130P.
Identifiers: ClinVar variation 2042038 (VCV002042038.4), dbSNP rs2547065893, ClinGen allele CA361481201.

ClinVar aggregate classification (germline): Uncertain significance (1 of 4 stars; one submission).

Conditions:
STING-associated vasculopathy with onset in infancy. Also called: Sting-associated vasculopathy, infantile-onset. Identifiers: Orphanet 425120, MedGen C4014722, MONDO:0014405, OMIM 615934.

Allele frequency attached by ClinVar (database versions not stated): gnomAD exomes below 0.00001.
gnomAD v4.1: 8 of 1,614,206 alleles (0.0005%); highest among the groups gnomAD compares: Non-Finnish European, 0.00059%; no homozygotes.

Submission:

Labcorp Genetics (formerly Invitae), Labcorp
Classification: Uncertain significance for STING-associated vasculopathy with onset in infancy. Last evaluated: 2024-01-02. Review status: criteria provided, single submitter. Criteria: Invitae Variant Classification Sherloc (09022015). Collection method: clinical testing. Allele origin: germline.
Comment: This sequence change replaces leucine, which is neutral and non-polar, with proline, which is neutral and non-polar, at codon 130 of the TMEM173 protein (p.Leu130Pro). This variant is not present in population databases (gnomAD no frequency). This variant has not been reported in the literature in individuals affected with TMEM173-related conditions. ClinVar contains an entry for this variant (Variation ID: 2042038). Advanced modeling of protein sequence and biophysical properties (such as structural, functional, and spatial information, amino acid conservation, physicochemical variation, residue mobility, and thermodynamic stability) performed at Invitae indicates that this missense variant is expected to disrupt TMEM173 protein function with a positive predictive value of 80%. In summary, the available evidence is currently insufficient to determine the role of this variant in disease. Therefore, it has been classified as a Variant of Uncertain Significance.